The following is an entry in ClinVar:

ClinVar aggregate classification (germline): Benign/Likely benign. Review status: criteria provided, multiple submitters, no conflicts (2 of 4 stars). 3 submissions from 3 submitters: Benign (2); Likely benign (1). Last evaluated 2026-04-01.

Allele frequency attached by ClinVar (database versions not stated): 1000 Genomes Project 30x 0.00016; 1000 Genomes Project 0.00020; TOPMed 0.00266; gnomAD 0.00282 and 0.00297; gnomAD exomes 0.00296 and 0.00401; ESP Exome Variant Server 0.00354; ExAC 0.00380.
gnomAD v4.1: 6,229 of 1,608,218 alleles (0.39%); highest among the groups gnomAD compares: Non-Finnish European, 0.47%; 15 homozygotes.

Submissions (3):

CeGaT Center for Human Genetics Tuebingen
Classification: Likely benign. Last evaluated: 2026-04-01. Review status: criteria provided, single submitter. Criteria: CeGaT Center For Human Genetics Tuebingen Variant Classification Criteria Version 2. Collection method: clinical testing. Allele origin: germline. Affected: yes. Observed: 3 variant alleles.
Comment: TLE6: BP4, BP7, BS2

Labcorp Genetics (formerly Invitae), Labcorp
Classification: Benign. Last evaluated: 2019-12-31. Review status: criteria provided, single submitter. Criteria: Invitae Variant Classification Sherloc (09022015). Collection method: clinical testing. Allele origin: germline.

Breakthrough Genomics
Classification: Benign. Review status: criteria provided, single submitter. Criteria: ACMG Guidelines, 2015. Collection method: not provided. Allele origin: germline. Inheritance: Autosomal recessive inheritance. Affected: yes.

NM_001143986.2(TLE6):c.1692C>T (p.His564=)

Gene: TLE6 (TLE family member 6, subcortical maternal complex member; plus strand). Cytogenetic location: 19p13.3.
Variant type: single nucleotide variant.
Coding change: c.1692C>T on transcript NM_001143986.2 (MANE Select); coding-DNA position 1692, C replaced by T.
Protein change: p.His564=; no amino-acid change (histidine 564 retained).
Molecular consequence: synonymous variant.
Genome position (GRCh38, 1-based): chr19:2,994,977, C>T. VCF-style: chr19-2994977-C-T. GRCh37 (hg19) VCF-style: chr19-2994975-C-T.
Other names: c.1323C>T, p.His441= (NM_024760.3).
Identifiers: ClinVar variation 779369 (VCV000779369.12), dbSNP rs150135561, ClinGen allele CA9073271.
Genomic context (GRCh38, chr19:2,994,977, plus strand): 5'-AGTCACGTGCTGTGACGTCTCTTCCAACAACCGCCTCGTTGTCACAGGCTCCGGGGAGCA[C>T]GCCTCCGTGTACCAGATCACCTACTGAGGGGCCTCGCTGCTGTCATCCCACTCCGGCTCC-3'
Protein context (NP_001137458.1, residues 554-572): NRLVVTGSGE[His564=]ASVYQITY